The following is an entry in ClinVar:

ClinVar aggregate classification (germline): Benign/Likely benign. Review status: criteria provided, multiple submitters, no conflicts (2 of 4 stars). 9 submissions from 7 submitters: Benign (3); Likely benign (6). Last evaluated 2026-02-03.

Conditions:
Cryohydrocytosis. Also called: Hereditary cryohydrocytosis with normal stomatin; STOMATOCYTOSIS, COLD-SENSITIVE; CRYOHYDROCYTOSIS DUE TO BAND 3 HEMEL; CRYOHYDROCYTOSIS DUE TO BAND 3 HURSTPIERPOINT; CRYOHYDROCYTOSIS DUE TO BAND 3 BLACKBURN. Identifiers: Orphanet 398088, MedGen C1861453, MONDO:0008494, OMIM 185020.
Southeast Asian ovalocytosis. Also called: Stomatocytic elliptocytosis, hereditary; Ovalocytosis, Malaysian-Melanesian-Filipino type; Elliptocytosis 4; HE, STOMATOCYTIC. Identifiers: Orphanet 98868, MedGen C1862322, MONDO:0008165, OMIM 166900.
Hereditary spherocytosis type 4. Also called: SLC4A1-Related Spherocytosis. Identifiers: Orphanet 822, MedGen C2675212, MONDO:0012981, OMIM 612653.
BLOOD GROUP, WALDNER (WD). Also called: WALDNER BLOOD GROUP ANTIGEN. Identifiers: MedGen C1862191, OMIM 112010.
BLOOD GROUP--FROESE (FR). Also called: FROESE BLOOD GROUP ANTIGEN. Identifiers: MedGen C1832168, OMIM 601551.
BLOOD GROUP--WRIGHT ANTIGEN (WR). Identifiers: MedGen C1862190, OMIM 112050.
BLOOD GROUP--SWANN SYSTEM (SW). Also called: SWANN BLOOD GROUP. Identifiers: MedGen C1832169, OMIM 601550.
BLOOD GROUP--DIEGO SYSTEM (DI). Identifiers: MedGen C1292286, OMIM 110500.
Autosomal dominant distal renal tubular acidosis (DRTA1). Also called: RTA, CLASSIC TYPE; RTA, DISTAL TYPE, AUTOSOMAL DOMINANT; Renal Tubular Acidosis, Type I; RTA, GRADIENT TYPE; RENAL TUBULAR ACIDOSIS, DISTAL, 1. Identifiers: Orphanet 93608, MedGen CN280572, MONDO:0008368, OMIM 179800.
Renal tubular acidosis, distal, 4, with hemolytic anemia. Also called: Renal Tubular Acidosis, Distal, with Hemolytic Anemia. Identifiers: Orphanet 93610, MedGen C5436235, MONDO:0012700, OMIM 611590.
Malaria, susceptibility to. Identifiers: Orphanet 673, MedGen C1970028, MONDO:0021024, OMIM 611162.
Hemolytic anemia. Identifiers: MedGen C0002878, MONDO:0003664, HP:0001878.

Allele frequency attached by ClinVar (database versions not stated): gnomAD exomes 0.00021 and 0.00096; gnomAD 0.00023 and 0.00035; TOPMed 0.00039; ExAC 0.00076; 1000 Genomes Project 30x 0.00234; 1000 Genomes Project 0.00240.
gnomAD v4.1: 397 of 1,614,022 alleles (0.025%); highest among the groups gnomAD compares: East Asian, 0.74%; 2 homozygotes.

Submissions (9):

Labcorp Genetics (formerly Invitae), Labcorp
Classification: Benign. Last evaluated: 2026-02-03. Review status: criteria provided, single submitter. Criteria: Invitae Variant Classification Sherloc (09022015). Collection method: clinical testing. Allele origin: germline.

CeGaT Center for Human Genetics Tuebingen
Classification: Likely benign. Last evaluated: 2026-02-01. Review status: criteria provided, single submitter. Criteria: CeGaT Center For Human Genetics Tuebingen Variant Classification Criteria Version 2. Collection method: clinical testing. Allele origin: germline. Affected: yes. Observed: 1 variant allele.
Comment: SLC4A1: BP4, BP7

Mayo Clinic Laboratories, Mayo Clinic
Classification: Likely benign. Last evaluated: 2025-07-07. Review status: criteria provided, single submitter. Criteria: ACMG Guidelines, 2015. Collection method: clinical testing. Allele origin: germline. Observed: 3 variant alleles.

ARUP Laboratories, Molecular Genetics and Genomics, ARUP Laboratories
Classification: Benign. Last evaluated: 2025-01-15. Review status: criteria provided, single submitter. Criteria: ARUP Molecular Germline Variant Investigation Process 2024. Collection method: clinical testing. Allele origin: germline.

Blueprint Genetics
Classification: Likely benign. Last evaluated: 2024-05-08. Review status: criteria provided, single submitter. Criteria: ACMG Guidelines, 2015. Collection method: clinical testing. Allele origin: germline.

Fulgent Genetics
Classification: Likely benign for BLOOD GROUP--DIEGO SYSTEM; BLOOD GROUP, WALDNER; BLOOD GROUP--WRIGHT ANTIGEN; Southeast Asian ovalocytosis; Autosomal dominant distal renal tubular acidosis; Cryohydrocytosis; BLOOD GROUP--SWANN SYSTEM; BLOOD GROUP--FROESE; Malaria, susceptibility to; Renal tubular acidosis, distal, 4, with hemolytic anemia; Hereditary spherocytosis type 4. Last evaluated: 2021-09-23. Review status: criteria provided, single submitter. Criteria: ACMG Guidelines, 2015. Collection method: clinical testing. Allele origin: unknown.

Illumina Laboratory Services, Illumina
Classification: Likely benign for Hereditary spherocytosis type 4. Last evaluated: 2018-01-13. Review status: criteria provided, single submitter. Criteria: ICSL Variant Classification Criteria 13 December 2019. Collection method: clinical testing. Allele origin: germline.
Comment: This variant was observed in the ICSL laboratory as part of a predisposition screen in an ostensibly healthy population. It had not been previously curated by ICSL or reported in the Human Gene Mutation Database (HGMD: prior to June 1st, 2018), and was therefore a candidate for classification through an automated scoring system. Utilizing variant allele frequency, disease prevalence and penetrance estimates, and inheritance mode, an automated score was calculated to assess if this variant is too frequent to cause the disease. Based on the score and internal cut-off values, a variant classified as likely benign is not then subjected to further curation. The score for this variant resulted in a classification of likely benign for this disease.

Illumina Laboratory Services, Illumina
Classification: Likely benign for Hemolytic anemia. Last evaluated: 2018-01-13. Review status: criteria provided, single submitter. Criteria: ICSL Variant Classification Criteria 13 December 2019. Collection method: clinical testing. Allele origin: germline.
Comment: the same text as in the submission from Illumina Laboratory Services, Illumina above.

Illumina Laboratory Services, Illumina
Classification: Benign for Autosomal dominant distal renal tubular acidosis. Last evaluated: 2018-01-13. Review status: criteria provided, single submitter. Criteria: ICSL Variant Classification Criteria 13 December 2019. Collection method: clinical testing. Allele origin: germline.
Comment: This variant was observed in the ICSL laboratory as part of a predisposition screen in an ostensibly healthy population. It had not been previously curated by ICSL or reported in the Human Gene Mutation Database (HGMD: prior to June 1st, 2018), and was therefore a candidate for classification through an automated scoring system. Utilizing variant allele frequency, disease prevalence and penetrance estimates, and inheritance mode, an automated score was calculated to assess if this variant is too frequent to cause the disease. Based on the score and internal cut-off values, a variant classified as benign is not then subjected to further curation. The score for this variant resulted in a classification of benign for this disease.

NM_000342.4(SLC4A1):c.798T>C (p.Phe266=)

Gene: SLC4A1 (solute carrier family 4 member 1 (Diego blood group); minus strand). Cytogenetic location: 17q21.31.
Variant type: single nucleotide variant.
Coding change: c.798T>C on transcript NM_000342.4 (MANE Select); coding-DNA position 798, T replaced by C.
Protein change: p.Phe266=; no amino-acid change (phenylalanine 266 retained).
Molecular consequence: synonymous variant.
Genome position (GRCh38, 1-based): chr17:44,259,241, A>G on the plus strand (T>C on the coding strand, the complement: SLC4A1 is on the minus strand). VCF-style: chr17-44259241-A-G. GRCh37 (hg19) VCF-style: chr17-42336609-A-G.
Other names: p.Phe266=.
Identifiers: ClinVar variation 715536 (VCV000715536.23), dbSNP rs193011645, ClinGen allele CA8600460.